The following is an entry in ClinVar:

ClinVar aggregate classification (germline): Conflicting classifications of pathogenicity. Review status: criteria provided, conflicting classifications (1 of 4 stars). 3 submissions from 3 submitters: Uncertain significance (2); Likely benign (1). Last evaluated 2025-01-23.

Allele frequency attached by ClinVar (database versions not stated): gnomAD exomes below 0.00001.
gnomAD v4.1: 1 of 1,277,236 alleles (0.000078%); highest among the groups gnomAD compares: Non-Finnish European, 0.000098%; no homozygotes.

Submissions (3):

Dasa
Classification: Likely benign. Last evaluated: 2025-01-23. Review status: criteria provided, single submitter. Criteria: DASA Assertion Criteria. Collection method: clinical testing. Allele origin: germline.
Comment: NM_001374828.1(ARID1B):c.1265T>C (p.Val422Ala) is a missense variant that results in the substitution of valine with alanine. The variant context is inconsistent with a known disease-causing mechanism. Computational prediction algorithms are consistent with a benign effect. Therefore, based on the currently available evidence, this variant is classified as likely benign.

Labcorp Genetics (formerly Invitae), Labcorp
Classification: Uncertain significance. Last evaluated: 2024-06-24. Review status: criteria provided, single submitter. Criteria: Invitae Variant Classification Sherloc (09022015). Collection method: clinical testing. Allele origin: germline.
Comment: This sequence change replaces valine, which is neutral and non-polar, with alanine, which is neutral and non-polar, at codon 339 of the ARID1B protein (p.Val339Ala). The frequency data for this variant in the population databases is considered unreliable, as metrics indicate insufficient coverage at this position in the gnomAD database. This variant has not been reported in the literature in individuals affected with ARID1B-related conditions. ClinVar contains an entry for this variant (Variation ID: 1723096). Algorithms developed to predict the effect of missense changes on protein structure and function output the following: SIFT: "Not Available"; PolyPhen-2: "Not Available"; Align-GVGD: "Not Available". The alanine amino acid residue is found in multiple mammalian species, which suggests that this missense change does not adversely affect protein function. In summary, the available evidence is currently insufficient to determine the role of this variant in disease. Therefore, it has been classified as a Variant of Uncertain Significance.

GeneDx
Classification: Uncertain significance. Last evaluated: 2022-05-02. Review status: criteria provided, single submitter. Criteria: GeneDx Variant Classification Process June 2021. Collection method: clinical testing. Allele origin: germline. Affected: yes.
Comment: Not observed at significant frequency in large population cohorts (gnomAD); In silico analysis supports that this missense variant does not alter protein structure/function; Has not been previously published as pathogenic or benign to our knowledge

NM_001374828.1(ARID1B):c.1265T>C (p.Val422Ala)

Gene: ARID1B (AT-rich interaction domain 1B; plus strand). Cytogenetic location: 6q25.3.
Variant type: single nucleotide variant.
Coding change: c.1265T>C on transcript NM_001374828.1 (MANE Select); coding-DNA position 1265, T replaced by C.
Protein change: p.Val422Ala; replaces valine 422 with alanine.
Molecular consequence: missense variant.
Genome position (GRCh38, 1-based): chr6:156,778,945, T>C. VCF-style: chr6-156778945-T-C. GRCh37 (hg19) VCF-style: chr6-157100079-T-C.
Other names: c.1016T>C, p.Val339Ala (NM_001346813.1, NM_020732.3); c.1265T>C, p.Val422Ala (NM_001371656.1, NM_001374820.1, NM_017519.3); c.842T>C, p.Val281Ala (NM_175863.2); short protein forms V281A, V339A, V422A.
Identifiers: ClinVar variation 1723096 (VCV001723096.6), dbSNP rs2546836497, ClinGen allele CA366383799.